The following is an entry in ClinVar:

ClinVar aggregate classification (germline): Pathogenic. Review status: criteria provided, multiple submitters, no conflicts (2 of 4 stars). 3 submissions from 3 submitters: Pathogenic (3). Last evaluated 2025-09-04.

Conditions:
LAMA2-related muscular dystrophy (LAMA2-RD). Also called: Laminin alpha 2-related dystrophy. Identifiers: MedGen C5679788, MONDO:0100228.
Merosin deficient congenital muscular dystrophy (MDC1A). Also called: Congenital Muscular Dystrophy Type 1A (MDC1A); Congenital merosin-deficient muscular dystrophy 1A. Identifiers: Orphanet 258, MedGen C1263858, MONDO:0011925, OMIM 607855.

Submissions (3):

Myriad Genetics, Inc.
Classification: Pathogenic for LAMA2-related muscular dystrophy. Last evaluated: 2025-09-04. Review status: criteria provided, single submitter. Criteria: Myriad Autosomal Dominant, Autosomal Recessive and X-Linked Classification Criteria (2023). Collection method: clinical testing. Allele origin: unknown.
Comment: NM_000426.3(LAMA2):c.8357+1G>A is a variant in a canonical splice site classified as pathogenic in the context of muscular dystrophy, LAMA2-related. c.8357+1G>A has been observed in cases with relevant disease (PMID: 30055037, 32266982). Relevant functional assessments of this variant are not available in the literature. c.8357+1G>A has not been observed in referenced population frequency databases. In summary, NM_000426.3(LAMA2):c.8357+1G>A is a variant in a canonical splice site in a gene where loss of function is a known mechanism of disease, is predicted to disrupt protein function, and has been observed more frequently in cases with the relevant disease than in healthy populations. Please note: this variant was assessed in the context of healthy population screening.

Baylor Genetics
Classification: Pathogenic for Merosin deficient congenital muscular dystrophy. Last evaluated: 2023-11-06. Review status: criteria provided, single submitter. Criteria: ACMG Guidelines, 2015. Collection method: clinical testing. Allele origin: unknown.

Labcorp Genetics (formerly Invitae), Labcorp
Classification: Pathogenic for LAMA2-related muscular dystrophy. Last evaluated: 2021-04-10. Review status: criteria provided, single submitter. Criteria: Invitae Variant Classification Sherloc (09022015). Collection method: clinical testing. Allele origin: germline.
Comment: For these reasons, this variant has been classified as Pathogenic. Algorithms developed to predict the effect of sequence changes on RNA splicing suggest that this variant may disrupt the consensus splice site, but this prediction has not been confirmed by published transcriptional studies. This variant has been observed in individual(s) with congenital muscular dystrophy (PMID: 30055037). In at least one individual the data is consistent with the variant being in trans (on the opposite chromosome) from a pathogenic variant. This variant is not present in population databases (ExAC no frequency). This sequence change affects a donor splice site in intron 59 of the LAMA2 gene. It is expected to disrupt RNA splicing. Variants that disrupt the donor or acceptor splice site typically lead to a loss of protein function (PMID: 16199547), and loss-of-function variants in LAMA2 are known to be pathogenic (PMID: 18700894).

Literature cited by the submitters: PubMed 30055037 (cited by Myriad Genetics, Inc. and Labcorp Genetics (formerly Invitae), Labcorp); PubMed 32266982 (cited by Myriad Genetics, Inc.); PubMed 16199547 (cited by Labcorp Genetics (formerly Invitae), Labcorp); PubMed 18700894 (cited by Labcorp Genetics (formerly Invitae), Labcorp).

NM_000426.4(LAMA2):c.8357+1G>A

Genes: LAMA2 (laminin subunit alpha 2; plus strand), LOC126859784 (CDK7 strongly-dependent group 2 enhancer GRCh37_chr6:129822854-129824053; plus strand). Cytogenetic location: 6q22.33.
Variant type: single nucleotide variant.
Coding change: c.8357+1G>A on transcript NM_000426.4 (MANE Select); the canonical splice donor site of the intron after coding-DNA position 8357, G replaced by A.
Molecular consequence: splice donor variant.
Genome position (GRCh38, 1-based): chr6:129,502,772, G>A. VCF-style: chr6-129502772-G-A. GRCh37 (hg19) VCF-style: chr6-129823917-G-A.
Other names: c.8345+1G>A (NM_001079823.2).
Identifiers: ClinVar variation 1452596 (VCV001452596.10), dbSNP rs1785749704, ClinGen allele CA365633947.